The following is an entry in ClinVar:

NM_013432.5(TONSL):c.2461C>A (p.Gln821Lys)

Genes: TONSL (tonsoku like, DNA repair protein; minus strand), TONSL-AS1 (TONSL antisense RNA 1; plus strand). Cytogenetic location: 8q24.3.
Variant type: single nucleotide variant.
Coding change: c.2461C>A on transcript NM_013432.5 (MANE Select); coding-DNA position 2461, C replaced by A.
Protein change: p.Gln821Lys; replaces glutamine 821 with lysine.
Molecular consequence: missense variant.
Genome position (GRCh38, 1-based): chr8:144,435,972, G>T on the plus strand (C>A on the coding strand, the complement: TONSL is on the minus strand). VCF-style: chr8-144435972-G-T. GRCh37 (hg19) VCF-style: chr8-145661355-G-T.
Other names: short protein forms Q821K.
Identifiers: ClinVar variation 1501601 (VCV001501601.8), dbSNP rs1476178710, ClinGen allele CA372655096.

ClinVar aggregate classification (germline): Uncertain significance (1 of 4 stars; one submission).

Allele frequency attached by ClinVar (database versions not stated): gnomAD exomes below 0.00001.
gnomAD v4.1: 2 of 1,553,984 alleles (0.00013%); highest among the groups gnomAD compares: East Asian, 0.0023%; no homozygotes.

Submission:

Labcorp Genetics (formerly Invitae), Labcorp
Classification: Uncertain significance. Last evaluated: 2020-12-23. Review status: criteria provided, single submitter. Criteria: Invitae Variant Classification Sherloc (09022015). Collection method: clinical testing. Allele origin: germline.
Comment: In summary, the available evidence is currently insufficient to determine the role of this variant in disease. Therefore, it has been classified as a Variant of Uncertain Significance. Algorithms developed to predict the effect of missense changes on protein structure and function output the following: SIFT: "Tolerated"; PolyPhen-2: "Benign"; Align-GVGD: "Class C0". The lysine amino acid residue is found in multiple mammalian species, suggesting that this missense change does not adversely affect protein function. These predictions have not been confirmed by published functional studies and their clinical significance is uncertain. This variant has not been reported in the literature in individuals with TONSL-related conditions. This variant is not present in population databases (ExAC no frequency). This sequence change replaces glutamine with lysine at codon 821 of the TONSL protein (p.Gln821Lys). The glutamine residue is moderately conserved and there is a small physicochemical difference between glutamine and lysine.